The following is an entry in ClinVar:

NM_004415.4(DSP):c.523C>T (p.Gln175Ter)

Gene: DSP (desmoplakin; plus strand). Cytogenetic location: 6p24.3.
Variant type: single nucleotide variant.
Coding change: c.523C>T on transcript NM_004415.4 (MANE Select); coding-DNA position 523, C replaced by T.
Protein change: p.Gln175Ter; replaces glutamine 175 with a stop codon.
Molecular consequence: nonsense.
Genome position (GRCh38, 1-based): chr6:7,559,326, C>T. VCF-style: chr6-7559326-C-T. GRCh37 (hg19) VCF-style: chr6-7559559-C-T.
Other names: c.523C>T (LRG_423t1); c.523C>T, p.Gln175Ter (NM_001008844.3, NM_001319034.2); short protein forms Q175*.
Identifiers: ClinVar variation 652401 (VCV000652401.12), dbSNP rs1581794029, ClinGen allele CA362672544.

ClinVar aggregate classification (germline): Pathogenic/Likely pathogenic. Review status: criteria provided, multiple submitters, no conflicts (2 of 4 stars). 3 submissions from 3 submitters: Pathogenic (1); Likely pathogenic (2). Last evaluated 2025-01-01.

Conditions:
Primary dilated cardiomyopathy (DCM). Also called: Dilated Cardiomyopathy. Identifiers: Orphanet 217604, MedGen C0007193, MeSH D002311, MONDO:0005021, HP:0001644. Inheritance: Various modes of inheritance.
Arrhythmogenic right ventricular cardiomyopathy (ARVD). Also called: Arrhythmogenic cardiomyopathy; Cardiomyopathy, ARVC; Arrhythmogenic right ventricular dysplasia; Arrhythmogenic Right Ventricular Cardiomyopathy (ARVC). Identifiers: Orphanet 247, MedGen C0349788, MeSH D019571, MONDO:0016587. Disease mechanism: loss of function. Inheritance: Various modes of inheritance.
Arrhythmogenic cardiomyopathy with wooly hair and keratoderma. Also called: PALMOPLANTAR KERATODERMA WITH LEFT VENTRICULAR CARDIOMYOPATHY AND WOOLLY HAIR; Carvajal syndrome; Dilated cardiomyopathy with woolly hair and keratoderma; Arrhythmogenic cardiomyopathy with woolly hair and keratoderma. Identifiers: Orphanet 65282, MedGen C1854063, MONDO:0011581, OMIM 605676.
Arrhythmogenic right ventricular dysplasia 8 (ARVD8). Also called: Arrhythmogenic Right Ventricular Dysplasia/Cardiomyopathy 8; ARRHYTHMOGENIC RIGHT VENTRICULAR DYSPLASIA, FAMILIAL, 8; ARRHYTHMOGENIC RIGHT VENTRICULAR CARDIOMYOPATHY 8. Identifiers: MedGen C1843896, MONDO:0011831, OMIM 607450.

Submissions (3):

Labcorp Genetics (formerly Invitae), Labcorp
Classification: Pathogenic for Arrhythmogenic cardiomyopathy with wooly hair and keratoderma; Arrhythmogenic right ventricular dysplasia 8. Last evaluated: 2025-01-01. Review status: criteria provided, single submitter. Criteria: Invitae Variant Classification Sherloc (09022015). Collection method: clinical testing. Allele origin: germline.
Comment: This sequence change creates a premature translational stop signal (p.Gln175*) in the DSP gene. It is expected to result in an absent or disrupted protein product. Loss-of-function variants in DSP are known to be pathogenic (PMID: 20716751, 24503780, 25227139). This variant is not present in population databases (gnomAD no frequency). This variant has not been reported in the literature in individuals affected with DSP-related conditions. ClinVar contains an entry for this variant (Variation ID: 652401). Algorithms developed to predict the effect of sequence changes on RNA splicing suggest that this variant may disrupt the consensus splice site. For these reasons, this variant has been classified as Pathogenic.

GeneDx
Classification: Likely pathogenic. Last evaluated: 2022-01-04. Review status: criteria provided, single submitter. Criteria: GeneDx Variant Classification Process June 2021. Collection method: clinical testing. Allele origin: germline. Affected: yes.
Comment: Nonsense variant predicted to result in protein truncation or nonsense mediated decay in a gene for which loss-of-function is a known mechanism of disease; Not observed in large population cohorts (Lek et al., 2016); Has not been previously published as pathogenic or benign to our knowledge

Laboratory for Molecular Medicine, Mass General Brigham Personalized Medicine
Classification: Likely pathogenic for Arrhythmogenic right ventricular cardiomyopathy; Primary dilated cardiomyopathy. Last evaluated: 2018-05-25. Review status: criteria provided, single submitter. Criteria: LMM Criteria. Collection method: clinical testing. Allele origin: germline. Inheritance: Autosomal dominant inheritance. Observed: 1 variant allele.
Comment: The p.Gln175X variant in DSP has not been previously reported in individuals wit h cardiomyopathy and was absent from large population studies. This nonsense var iant leads to a premature termination codon at position 175, which is predicted to lead to a truncated or absent protein. Heterozygous loss of function of the D SP gene is an established disease mechanism for Dilated cardiomyopathy and Arrhy thmogenic right ventricular cardiomyopathy. In summary, although additional stud ies are required to fully establish its clinical significance, the p.Gln175X var iant is likely pathogenic. ACMG/AMP criteria applied: PVS1, PM2.

Literature cited by the submitters: PubMed 20716751 (cited by Labcorp Genetics (formerly Invitae), Labcorp); PubMed 24503780 (cited by Labcorp Genetics (formerly Invitae), Labcorp); PubMed 25227139 (cited by Labcorp Genetics (formerly Invitae), Labcorp).